The following is an entry in ClinVar:

ClinVar aggregate classification (germline): Benign/Likely benign. Review status: criteria provided, multiple submitters, no conflicts (2 of 4 stars). 4 submissions from 4 submitters: Benign (1); Likely benign (3). Last evaluated 2025-10-25.

Conditions:
Hereditary cancer-predisposing syndrome. Also called: Tumor predisposition; Hereditary neoplastic syndrome; Neoplastic Syndromes, Hereditary; Hereditary Cancer Syndrome. Identifiers: Orphanet 140162, MedGen C0027672, MeSH D009386, MONDO:0015356.
Familial cancer of breast. Also called: hereditary breast carcinoma; Hereditary breast cancer; BREAST CANCER, FAMILIAL. Identifiers: Orphanet 227535, MedGen C0346153, MONDO:0016419, OMIM 114480. Disease mechanism: loss of function.
Ataxia-telangiectasia syndrome (AT). Also called: Ataxia-telangiectasia, complementation group E; AT, COMPLEMENTATION GROUP C; ATAXIA-TELANGIECTASIA, COMPLEMENTATION GROUP A; ATAXIA-TELANGIECTASIA, FRESNO VARIANT; Ataxia-telangiectasia; LOUIS-BAR SYNDROME. Identifiers: Orphanet 100, MedGen C0004135, MONDO:0008840, OMIM 208900.

Allele frequency attached by ClinVar (database versions not stated): gnomAD 0.00001; gnomAD exomes 0.00001; TOPMed 0.00001; ExAC 0.00002.
gnomAD v4.1: 8 of 1,612,940 alleles (0.0005%); highest among the groups gnomAD compares: East Asian, 0.0067%; no homozygotes.

Submissions (4):

Labcorp Genetics (formerly Invitae), Labcorp
Classification: Likely benign for Ataxia-telangiectasia syndrome. Last evaluated: 2025-10-25. Review status: criteria provided, single submitter. Criteria: Invitae Variant Classification Sherloc (09022015). Collection method: clinical testing. Allele origin: germline.

Myriad Genetics, Inc.
Classification: Benign for Familial cancer of breast. Last evaluated: 2024-05-15. Review status: criteria provided, single submitter. Criteria: Myriad Autosomal Dominant, Autosomal Recessive and X-Linked Classification Criteria (2023). Collection method: clinical testing. Allele origin: unknown.
Comment: This variant is considered benign. This variant is a silent/synonymous amino acid change and it is not expected to impact splicing.

Ambry Genetics
Classification: Likely benign for Hereditary cancer-predisposing syndrome. Last evaluated: 2017-12-14. Review status: criteria provided, single submitter. Criteria: Ambry Variant Classification Scheme 2023. Collection method: clinical testing. Allele origin: germline.

Color Diagnostics, LLC DBA Color Health
Classification: Likely benign for Hereditary cancer-predisposing syndrome. Last evaluated: 2015-10-20. Review status: criteria provided, single submitter. Criteria: ACMG Guidelines, 2015. Collection method: clinical testing. Allele origin: germline.

NM_000051.4(ATM):c.3627T>C (p.Phe1209=)

Gene: ATM (ATM serine/threonine kinase; plus strand). Cytogenetic location: 11q22.3.
Variant type: single nucleotide variant.
Coding change: c.3627T>C on transcript NM_000051.4 (MANE Select); coding-DNA position 3627, T replaced by C.
Protein change: p.Phe1209=; no amino-acid change (phenylalanine 1209 retained).
Molecular consequence: synonymous variant.
Genome position (GRCh38, 1-based): chr11:108,282,760, T>C. VCF-style: chr11-108282760-T-C. GRCh37 (hg19) VCF-style: chr11-108153487-T-C.
Other names: c.3627T>C, p.Phe1209= (NM_001351834.2).
Identifiers: ClinVar variation 220120 (VCV000220120.19), dbSNP rs762605020, ClinGen allele CA350638.